The following is an entry in ClinVar:

ClinVar aggregate classification (germline): Pathogenic (1 of 4 stars; one submission).

Conditions:
Hereditary diffuse gastric adenocarcinoma (HDGC). Also called: DIFFUSE GASTRIC AND LOBULAR BREAST CANCER SYNDROME. Identifiers: Orphanet 26106, MedGen C1708349, MONDO:0007648, OMIM 137215.

Submission:

Labcorp Genetics (formerly Invitae), Labcorp
Classification: Pathogenic for Hereditary diffuse gastric adenocarcinoma. Last evaluated: 2020-12-07. Review status: criteria provided, single submitter. Criteria: Invitae Variant Classification Sherloc (09022015). Collection method: clinical testing. Allele origin: germline.
Comment: For these reasons, this variant has been classified as Pathogenic. Sub-genic in-frame deletion of exon 15 has been determined to be pathogenic (PMID: 19168852, 24037103). Therefore, deletions that fully encompass that region are also expected to be pathogenic. This variant has not been reported in the literature in individuals with CDH1-related disease. This variant is an in-frame deletion of the genomic region encompassing exons 4-15 of the CDH1 gene. It preserves the integrity of the reading frame.

Literature cited by the submitters: PubMed 19168852; PubMed 24037103.

NC_000016.10:g.(?_68808414)_(68829807_?)del

Gene: CDH1 (cadherin 1; plus strand). Cytogenetic location: 16q22.1.
Variant type: Deletion.
Identifiers: ClinVar variation 831463 (VCV000831463.8).